The following is an entry in ClinVar:

ClinVar aggregate classification (germline): Uncertain significance (1 of 4 stars; one submission).

Submission:

GeneDx
Classification: Uncertain significance. Last evaluated: 2024-05-03. Review status: criteria provided, single submitter. Criteria: GeneDx Variant Classification Process June 2021. Collection method: clinical testing. Allele origin: germline. Affected: yes.
Comment: Not observed at significant frequency in large population cohorts (gnomAD); In silico analysis indicates that this missense variant does not alter protein structure/function; Has not been previously published as pathogenic or benign to our knowledge

NM_024496.4(IRF2BPL):c.168G>C (p.Gln56His)

Genes: IRF2BPL (interferon regulatory factor 2 binding protein like; minus strand), LOC107984638 (uncharacterized LOC107984638; plus strand). Cytogenetic location: 14q24.3.
Variant type: single nucleotide variant.
Coding change: c.168G>C on transcript NM_024496.4 (MANE Select); coding-DNA position 168, G replaced by C.
Protein change: p.Gln56His; replaces glutamine 56 with histidine.
Molecular consequence: missense variant. On other transcripts: non-coding transcript variant (3).
Genome position (GRCh38, 1-based): chr14:77,027,625, C>G on the plus strand (G>C on the coding strand, the complement: IRF2BPL is on the minus strand). VCF-style: chr14-77027625-C-G. GRCh37 (hg19) VCF-style: chr14-77493968-C-G.
Other names: short protein forms Q56H.
Identifiers: ClinVar variation 3373320 (VCV003373320.1).
Genomic context (GRCh38, chr14:77,027,625, plus strand): 5'-GACGGGCGGCGGCGGCCCGGGGGAGCGGCCGTCCTGGAAGCAGCCGTGCGCCCGCTTCAG[C>G]TGGCGCGCTGTCTCGATCACGAATTCGATGCGATCAGCGCCCTCGTAGTTGACGCAACCG-3'
Protein context (NP_078772.1, residues 46-66): RIEFVIETAR[Gln56His]LKRAHGCFQD